The following is an entry in ClinVar:

ClinVar aggregate classification (germline): Uncertain significance. Review status: criteria provided, multiple submitters, no conflicts (2 of 4 stars). 2 submissions from 2 submitters: Uncertain significance (2). Last evaluated 2022-08-03.

Conditions:
Nephronophthisis. Also called: Juvenile Nephronophthisis. Identifiers: Orphanet 655, MedGen C0687120, MONDO:0019005, HP:0000090.

Allele frequency attached by ClinVar (database versions not stated): gnomAD exomes below 0.00001; gnomAD 0.00001; TOPMed 0.00001.

Submissions (2):

Labcorp Genetics (formerly Invitae), Labcorp
Classification: Uncertain significance for Nephronophthisis. Last evaluated: 2022-08-03. Review status: criteria provided, single submitter. Criteria: Invitae Variant Classification Sherloc (09022015). Collection method: clinical testing. Allele origin: germline.
Comment: This sequence change replaces glutamine, which is neutral and polar, with glutamic acid, which is acidic and polar, at codon 357 of the IQCB1 protein (p.Gln357Glu). This variant is not present in population databases (gnomAD no frequency). This variant has not been reported in the literature in individuals affected with IQCB1-related conditions. Algorithms developed to predict the effect of missense changes on protein structure and function (SIFT, PolyPhen-2, Align-GVGD) all suggest that this variant is likely to be tolerated. In summary, the available evidence is currently insufficient to determine the role of this variant in disease. Therefore, it has been classified as a Variant of Uncertain Significance.

GeneDx
Classification: Uncertain significance. Last evaluated: 2022-07-13. Review status: criteria provided, single submitter. Criteria: GeneDx Variant Classification Process June 2021. Collection method: clinical testing. Allele origin: germline. Affected: yes.
Comment: Not observed at significant frequency in large population cohorts (gnomAD); In silico analysis supports that this missense variant does not alter protein structure/function; Has not been previously published as pathogenic or benign to our knowledge

NM_001023570.4(IQCB1):c.1069C>G (p.Gln357Glu)

Gene: IQCB1 (IQ motif containing B1; minus strand). Cytogenetic location: 3q13.33.
Variant type: single nucleotide variant.
Coding change: c.1069C>G on transcript NM_001023570.4 (MANE Select); coding-DNA position 1069, C replaced by G.
Protein change: p.Gln357Glu; replaces glutamine 357 with glutamic acid.
Molecular consequence: missense variant. On other transcripts: non-coding transcript variant (1).
Genome position (GRCh38, 1-based): chr3:121,790,133, G>C on the plus strand (C>G on the coding strand, the complement: IQCB1 is on the minus strand). VCF-style: chr3-121790133-G-C. GRCh37 (hg19) VCF-style: chr3-121508980-G-C.
Other names: c.670C>G, p.Gln224Glu (NM_001023571.4); c.1069C>G, p.Gln357Glu (NM_001319107.2); short protein forms Q224E, Q357E.
Identifiers: ClinVar variation 1878941 (VCV001878941.3), dbSNP rs121918245, ClinGen allele CA354116754.